The following is an entry in ClinVar:

ClinVar aggregate classification (germline): Uncertain significance (1 of 4 stars; one submission).

Allele frequency attached by ClinVar (database versions not stated): TOPMed 0.00002.

Submission:

Institute for Clinical Genetics, University Hospital TU Dresden, University Hospital TU Dresden
Classification: Uncertain significance. Last evaluated: 2022-12-14. Review status: criteria provided, single submitter. Criteria: ACMG Guidelines, 2015. Collection method: clinical testing. Allele origin: paternal.
Comment: PM2_SUP

NM_000548.5(TSC2):c.1716+263G>A

Gene: TSC2 (TSC complex subunit 2; plus strand). Cytogenetic location: 16p13.3.
Variant type: single nucleotide variant.
Coding change: c.1716+263G>A on transcript NM_000548.5 (MANE Select); 263 bases into the intron after coding-DNA position 1716, G replaced by A.
Molecular consequence: intron variant.
Genome position (GRCh38, 1-based): chr16:2,065,898, G>A. VCF-style: chr16-2065898-G-A. GRCh37 (hg19) VCF-style: chr16-2115899-G-A.
Other names: c.1569+263G>A (NM_001406679.1, NM_001406675.1, NM_001406676.1 and 1 more transcripts); c.1116+263G>A (NM_001406686.1, NM_001406680.1, NM_001406683.1 and 6 more transcripts); c.1749+263G>A (NM_001318832.2); c.372+263G>A (NM_001406693.1, NM_001406689.1, NM_001406690.1 and 6 more transcripts); c.1806+263G>A (NM_001406667.1, NM_001406668.1); c.114+263G>A (NM_001406698.1); c.1716+263G>A (NM_001114382.3, NM_001406663.1, NM_001406664.1 and 6 more transcripts); c.1704+263G>A (NM_001406671.1, NM_001406673.1); and 3 more.
Identifiers: ClinVar variation 2576058 (VCV002576058.1), dbSNP rs748920796, ClinGen allele CA276731392.
Genomic context (GRCh38, chr16:2,065,898, plus strand): 5'-CTGACCAGAGCTTGTCTCTGTGCTCCTGAGTCAGGGCCGGAACCATGTACCATCCTCAGC[G>A]TGGCGCTTGCCCTCGTCACCCAGCACAGCACCTGGGAAGTAAGGGTGGCCCTCCATTCCT-3'